The following is an entry in ClinVar:

ClinVar aggregate classification (germline): Uncertain significance (1 of 4 stars; one submission).

Submission:

Labcorp Genetics (formerly Invitae), Labcorp
Classification: Uncertain significance. Last evaluated: 2023-07-29. Review status: criteria provided, single submitter. Criteria: Invitae Variant Classification Sherloc (09022015). Collection method: clinical testing. Allele origin: germline.
Comment: This variant is not present in population databases (gnomAD no frequency). This sequence change replaces cysteine, which is neutral and slightly polar, with serine, which is neutral and polar, at codon 244 of the ZNF513 protein (p.Cys244Ser). This variant has not been reported in the literature in individuals affected with ZNF513-related conditions. An algorithm developed to predict the effect of missense changes on protein structure and function (PolyPhen-2) suggests that this variant is likely to be tolerated. In summary, the available evidence is currently insufficient to determine the role of this variant in disease. Therefore, it has been classified as a Variant of Uncertain Significance.

NM_144631.6(ZNF513):c.730T>A (p.Cys244Ser)

Gene: ZNF513 (zinc finger protein 513; minus strand). Cytogenetic location: 2p23.3.
Variant type: single nucleotide variant.
Coding change: c.730T>A on transcript NM_144631.6 (MANE Select); coding-DNA position 730, T replaced by A.
Protein change: p.Cys244Ser; replaces cysteine 244 with serine.
Molecular consequence: missense variant.
Genome position (GRCh38, 1-based): chr2:27,378,536, A>T on the plus strand (T>A on the coding strand, the complement: ZNF513 is on the minus strand). VCF-style: chr2-27378536-A-T. GRCh37 (hg19) VCF-style: chr2-27601403-A-T.
Other names: c.544T>A, p.Cys182Ser (NM_001201459.2); short protein forms C182S, C244S.
Identifiers: ClinVar variation 2748237 (VCV002748237.3), dbSNP rs1340316915, ClinGen allele CA346217582.
Genomic context (GRCh38, chr2:27,378,536, plus strand): 5'-GCCGGGGCACCGCCCCCTCCTGCTCTGTGGGACTGGGAGGCCGGGCTGGTCGTGGAGTAC[A>T]GCAGCGGAAGCCACAGGTCGGGCAGGGAGGAGTGGGGGGCCCTGCGTGGGTACGCTGATG-3'
Protein context (NP_653232.3, residues 234-254): PPCPTCGFRC[Cys244Ser]TPRPARPPSP